The following is an entry in ClinVar:

ClinVar aggregate classification (germline): Likely benign. Review status: criteria provided, multiple submitters, no conflicts (2 of 4 stars). 3 submissions from 3 submitters: Likely benign (2). 1 of the submissions does not count toward it. Last evaluated 2024-10-25.

Conditions:
IFT172-related disorder. Also called: IFT172-related condition; IFT172-related disorders.
Short-rib thoracic dysplasia 10 with or without polydactyly (SRTD10). Identifiers: Orphanet 474, MedGen C3810175, MONDO:0014284, OMIM 615630.
Retinitis pigmentosa 71 (RP71). Identifiers: Orphanet 791, MedGen C4225342, MONDO:0014618, OMIM 616394.
Bardet-Biedl syndrome 20. Identifiers: MedGen C4310707, MONDO:0023670, OMIM 619471, MONDO:0014926.

Allele frequency attached by ClinVar (database versions not stated): ExAC 0.00002; TOPMed 0.00003; gnomAD exomes 0.00005; gnomAD 0.00007 and 0.00008; ESP Exome Variant Server 0.00008.
gnomAD v4.1: 79 of 1,614,092 alleles (0.0049%); highest among the groups gnomAD compares: African/African-American, 0.013%; no homozygotes.

Submissions (3):

Labcorp Genetics (formerly Invitae), Labcorp
Classification: Likely benign for Retinitis pigmentosa 71; Short-rib thoracic dysplasia 10 with or without polydactyly. Last evaluated: 2024-10-25. Review status: criteria provided, single submitter. Criteria: Invitae Variant Classification Sherloc (09022015). Collection method: clinical testing. Allele origin: germline.

Fulgent Genetics
Classification: Likely benign for Short-rib thoracic dysplasia 10 with or without polydactyly; Retinitis pigmentosa 71; Bardet-Biedl syndrome 20. Last evaluated: 2022-05-19. Review status: criteria provided, single submitter. Criteria: ACMG Guidelines, 2015. Collection method: clinical testing. Allele origin: unknown.

PreventionGenetics, part of Exact Sciences
Classification: Likely benign for IFT172-related condition. Last evaluated: 2020-04-07. Review status: no assertion criteria provided. Collection method: clinical testing. Allele origin: germline. Not counted in ClinVar's aggregate classification.
Comment: This variant is classified as likely benign based on ACMG/AMP sequence variant interpretation guidelines (Richards et al. 2015 PMID: 25741868, with internal and published modifications).

NM_015662.3(IFT172):c.3933G>A (p.Ala1311=)

Genes: IFT172 (intraflagellar transport 172; minus strand), LOC126806173 (BRD4-independent group 4 enhancer GRCh37_chr2:27676057-27677256; plus strand). Cytogenetic location: 2p23.3.
Variant type: single nucleotide variant.
Coding change: c.3933G>A on transcript NM_015662.3 (MANE Select); coding-DNA position 3933, G replaced by A.
Protein change: p.Ala1311=; no amino-acid change (alanine 1311 retained).
Molecular consequence: synonymous variant.
Genome position (GRCh38, 1-based): chr2:27,453,402, C>T on the plus strand (G>A on the coding strand, the complement: IFT172 is on the minus strand). VCF-style: chr2-27453402-C-T. GRCh37 (hg19) VCF-style: chr2-27676269-C-T.
Other names: c.3933G>A (NM_015662.2).
Identifiers: ClinVar variation 1591034 (VCV001591034.11), dbSNP rs143011753, ClinGen allele CA1579817.